The following is an entry in ClinVar:

ClinVar aggregate classification (germline): Benign/Likely benign. Review status: criteria provided, multiple submitters, no conflicts (2 of 4 stars). 3 submissions from 3 submitters: Benign (1); Likely benign (2). Last evaluated 2026-05-06.

Conditions:
Colorectal cancer, hereditary nonpolyposis, type 7. Identifiers: Orphanet 144, MedGen C1858380, MONDO:0013725, OMIM 614385.

Submissions (3):

Myriad Genetics, Inc.
Classification: Benign for Colorectal cancer, hereditary nonpolyposis, type 7. Last evaluated: 2026-05-06. Review status: criteria provided, single submitter. Criteria: Myriad Autosomal Dominant, Autosomal Recessive and X-Linked Classification Criteria (2023). Collection method: clinical testing. Allele origin: unknown.
Comment: This variant is considered benign. This variant is a silent/synonymous amino acid change and it is not expected to impact splicing.

Ambry Genetics
Classification: Likely benign. Last evaluated: 2025-12-11. Review status: criteria provided, single submitter. Criteria: Ambry Variant Classification Scheme 2023. Collection method: clinical testing. Allele origin: germline.

Labcorp Genetics (formerly Invitae), Labcorp
Classification: Likely benign for Colorectal cancer, hereditary nonpolyposis, type 7. Last evaluated: 2025-08-30. Review status: criteria provided, single submitter. Criteria: Invitae Variant Classification Sherloc (09022015). Collection method: clinical testing. Allele origin: germline.

NM_001040108.2(MLH3):c.4074A>C (p.Ala1358=)

Gene: MLH3 (mutL homolog 3; minus strand). Cytogenetic location: 14q24.3.
Variant type: single nucleotide variant.
Coding change: c.4074A>C on transcript NM_001040108.2 (MANE Select); coding-DNA position 4074, A replaced by C.
Protein change: p.Ala1358=; no amino-acid change (alanine 1358 retained).
Molecular consequence: synonymous variant.
Genome position (GRCh38, 1-based): chr14:75,022,830, T>G on the plus strand (A>C on the coding strand, the complement: MLH3 is on the minus strand). VCF-style: chr14-75022830-T-G. GRCh37 (hg19) VCF-style: chr14-75489533-T-G.
Other names: c.4002A>C, p.Ala1334= (NM_014381.3).
Identifiers: ClinVar variation 544292 (VCV000544292.12), dbSNP rs1555387475, ClinGen allele CA487175400.
Genomic context (GRCh38, chr14:75,022,830, plus strand): 5'-CTGCATGCAGAGGTGTTTGATCACTGCTATGTTGAAGGGCTTACCATGGCAGGCTTGGGA[T>G]GCCAACACCTTCTGGACAGTCAGTGGCAATGTCCCTTGGATGCCTCCGGTGGTCTGGAGT-3'
Protein context (NP_001035197.1, residues 1348-1368): TLPLTVQKVL[Ala1358=]SQACHGAIKF